The following is an entry in ClinVar:

NM_001734.5(C1S):c.1564G>A (p.Gly522Arg)

Gene: C1S (complement C1s; plus strand). Cytogenetic location: 12p13.31.
Variant type: single nucleotide variant.
Coding change: c.1564G>A on transcript NM_001734.5 (MANE Select); coding-DNA position 1564, G replaced by A.
Protein change: p.Gly522Arg; replaces glycine 522 with arginine.
Molecular consequence: missense variant.
Genome position (GRCh38, 1-based): chr12:7,070,148, G>A. VCF-style: chr12-7070148-G-A. GRCh37 (hg19) VCF-style: chr12-7177452-G-A.
Other names: c.1063G>A, p.Gly355Arg (NM_001346850.2); c.1564G>A, p.Gly522Arg (NM_201442.4); short protein forms G355R, G522R.
Identifiers: ClinVar variation 2876222 (VCV002876222.3), dbSNP rs782782907, ClinGen allele CA6423807.

ClinVar aggregate classification (germline): Uncertain significance (1 of 4 stars; one submission).

Allele frequency attached by ClinVar (database versions not stated): ExAC 0.00001; gnomAD exomes 0.00001.
gnomAD v4.1: 10 of 1,614,184 alleles (0.00062%); highest among the groups gnomAD compares: South Asian, 0.011%; no homozygotes.

Submission:

Labcorp Genetics (formerly Invitae), Labcorp
Classification: Uncertain significance. Last evaluated: 2023-09-14. Review status: criteria provided, single submitter. Criteria: Invitae Variant Classification Sherloc (09022015). Collection method: clinical testing. Allele origin: germline.
Comment: In summary, the available evidence is currently insufficient to determine the role of this variant in disease. Therefore, it has been classified as a Variant of Uncertain Significance. An algorithm developed to predict the effect of missense changes on protein structure and function (PolyPhen-2) suggests that this variant is likely to be tolerated. This variant has not been reported in the literature in individuals affected with C1S-related conditions. This variant is present in population databases (rs782782907, gnomAD 0.003%). This sequence change replaces glycine, which is neutral and non-polar, with arginine, which is basic and polar, at codon 522 of the C1S protein (p.Gly522Arg).